The following is an entry in ClinVar:

NM_033380.3(COL4A5):c.406A>G (p.Ser136Gly)

Gene: COL4A5 (collagen type IV alpha 5 chain; plus strand). Cytogenetic location: Xq22.3.
Variant type: single nucleotide variant.
Coding change: c.406A>G on transcript NM_033380.3 (MANE Select); coding-DNA position 406, A replaced by G.
Protein change: p.Ser136Gly; replaces serine 136 with glycine.
Molecular consequence: missense variant.
Genome position (GRCh38, 1-based): chrX:108,571,434, A>G. VCF-style: chrX-108571434-A-G. GRCh37 (hg19) VCF-style: chrX-107814664-A-G.
Other names: c.406A>G, p.Ser136Gly (NM_000495.5); c.406A>G (NM_000495.3); short protein forms S136G.
Identifiers: ClinVar variation 666682 (VCV000666682.21), dbSNP rs768580195, ClinGen allele CA10488451.

ClinVar aggregate classification (germline): Benign/Likely benign. Review status: criteria provided, multiple submitters, no conflicts (2 of 4 stars). 8 submissions from 8 submitters: Benign (1); Likely benign (4). 3 of the submissions do not count toward it. Last evaluated 2026-01-04.

Conditions:
X-linked Alport syndrome (ATS1). Also called: COL4A5-Related Nephropathy; NEPHROPATHY AND DEAFNESS, X-LINKED. Identifiers: Orphanet 63, Orphanet 88917, MedGen C4746986, MONDO:0010520, OMIM 301050.
Inborn genetic diseases. Identifiers: MedGen C0950123, MeSH D030342.

Allele frequency attached by ClinVar (database versions not stated): gnomAD below 0.00001 and 0.00007; TOPMed 0.00003; gnomAD exomes 0.00029 and 0.00050; ExAC 0.00055; 1000 Genomes Project 0.00106; 1000 Genomes Project 30x 0.00125.
gnomAD v4.1: 323 of 1,203,478 alleles (0.027%); highest among the groups gnomAD compares: South Asian, 0.55%; 2 homozygotes.

Submissions (8):

Labcorp Genetics (formerly Invitae), Labcorp
Classification: Benign. Last evaluated: 2026-01-04. Review status: criteria provided, single submitter. Criteria: Invitae Variant Classification Sherloc (09022015). Collection method: clinical testing. Allele origin: germline.

Mayo Clinic Laboratories, Mayo Clinic
Classification: Likely benign. Last evaluated: 2025-07-23. Review status: criteria provided, single submitter. Criteria: ACMG Guidelines, 2015. Collection method: clinical testing. Allele origin: germline. Observed: 1 variant allele.
Comment: BS1, BP4

Blueprint Genetics
Classification: Likely benign. Last evaluated: 2024-11-05. Review status: criteria provided, single submitter. Criteria: ACMG Guidelines, 2015. Collection method: clinical testing. Allele origin: germline.

Ambry Genetics
Classification: Likely benign for Inborn genetic diseases. Last evaluated: 2024-08-12. Review status: criteria provided, single submitter. Criteria: Ambry Variant Classification Scheme 2023. Collection method: clinical testing. Allele origin: germline.

Laboratory for Molecular Medicine, Mass General Brigham Personalized Medicine
Classification: Likely benign. Last evaluated: 2017-08-23. Review status: criteria provided, single submitter. Criteria: LMM Criteria. Collection method: clinical testing. Allele origin: germline. Observed: 1 variant allele.
Comment: p.Ser136Gly in exon 7 of COL4A5: This variant is not expected to have clinical s ignificance because it has been identified in 0.47% (48/10119) of South Asian ch romosomes by the Exome Aggregation Consortium (ExAC. org; dbSNP rs768580195).

Natera, Inc.
Classification: Benign for X-linked Alport syndrome. Last evaluated: 2020-01-01. Review status: no assertion criteria provided. Collection method: clinical testing. Allele origin: germline. Not counted in ClinVar's aggregate classification.

Clinical Genetics DNA and cytogenetics Diagnostics Lab, Erasmus MC, Erasmus Medical Center
Classification: Likely benign. Review status: no assertion criteria provided. Collection method: clinical testing. Allele origin: germline. Affected: yes. Study: VKGL Data-share Consensus. Not counted in ClinVar's aggregate classification.

Genome Diagnostics Laboratory, University Medical Center Utrecht
Classification: Likely benign. Review status: no assertion criteria provided. Collection method: clinical testing. Allele origin: germline. Affected: yes. Study: VKGL Data-share Consensus. Not counted in ClinVar's aggregate classification.